The following is an entry in ClinVar:

ClinVar aggregate classification (germline): Uncertain significance (1 of 4 stars; one submission).

Conditions:
Spastic paraplegia. Identifiers: MedGen C0037772, HP:0001258.

Submission:

Labcorp Genetics (formerly Invitae), Labcorp
Classification: Uncertain significance for Spastic paraplegia. Last evaluated: 2024-02-29. Review status: criteria provided, single submitter. Criteria: Invitae Variant Classification Sherloc (09022015). Collection method: clinical testing. Allele origin: germline.
Comment: This sequence change replaces methionine, which is neutral and non-polar, with valine, which is neutral and non-polar, at codon 848 of the KDM5C protein (p.Met848Val). This variant is not present in population databases (gnomAD no frequency). This variant has not been reported in the literature in individuals affected with KDM5C-related conditions. Advanced modeling of protein sequence and biophysical properties (such as structural, functional, and spatial information, amino acid conservation, physicochemical variation, residue mobility, and thermodynamic stability) performed at Invitae indicates that this missense variant is not expected to disrupt KDM5C protein function with a negative predictive value of 80%. In summary, the available evidence is currently insufficient to determine the role of this variant in disease. Therefore, it has been classified as a Variant of Uncertain Significance.

NM_004187.5(KDM5C):c.2542A>G (p.Met848Val)

Gene: KDM5C (lysine demethylase 5C; minus strand). Cytogenetic location: Xp11.22.
Variant type: single nucleotide variant.
Coding change: c.2542A>G on transcript NM_004187.5 (MANE Select); coding-DNA position 2542, A replaced by G.
Protein change: p.Met848Val; replaces methionine 848 with valine.
Molecular consequence: missense variant. On other transcripts: non-coding transcript variant (3).
Genome position (GRCh38, 1-based): chrX:53,197,851, T>C on the plus strand (A>G on the coding strand, the complement: KDM5C is on the minus strand). VCF-style: chrX-53197851-T-C. GRCh37 (hg19) VCF-style: chrX-53227033-T-C.
Other names: c.2341A>G, p.Met781Val (NM_001146702.2); c.2539A>G, p.Met847Val (NM_001282622.3, NM_001353979.2, NM_001353982.2); c.2542A>G, p.Met848Val (NM_001353978.3, NM_001353981.2, NM_001353984.2); short protein forms M847V, M848V, M781V.
Identifiers: ClinVar variation 3643701 (VCV003643701.2).